The following is an entry in ClinVar:

ClinVar aggregate classification (germline): Uncertain significance (1 of 4 stars; one submission).

Conditions:
Cardiovascular phenotype. Identifiers: MedGen CN230736.

Allele frequency attached by ClinVar (database versions not stated): gnomAD exomes below 0.00001; TOPMed below 0.00001; ExAC 0.00001.

Submission:

Ambry Genetics
Classification: Uncertain significance for Cardiovascular phenotype. Last evaluated: 2025-12-19. Review status: criteria provided, single submitter. Criteria: Ambry Variant Classification Scheme 2023. Collection method: clinical testing. Allele origin: germline.
Comment: The p.I297V variant (also known as c.889A>G), located in coding exon 7 of the SCN10A gene, results from an A to G substitution at nucleotide position 889. The isoleucine at codon 297 is replaced by valine, an amino acid with highly similar properties. This amino acid position is conserved. In addition, this alteration is predicted to be tolerated by in silico analysis. Since supporting evidence is limited at this time, the clinical significance of this alteration remains unclear.

NM_006514.4(SCN10A):c.889A>G (p.Ile297Val)

Gene: SCN10A (sodium voltage-gated channel alpha subunit 10; minus strand). Cytogenetic location: 3p22.2.
Variant type: single nucleotide variant.
Coding change: c.889A>G on transcript NM_006514.4 (MANE Select); coding-DNA position 889, A replaced by G.
Protein change: p.Ile297Val; replaces isoleucine 297 with valine.
Molecular consequence: missense variant.
Genome position (GRCh38, 1-based): chr3:38,760,742, T>C on the plus strand (A>G on the coding strand, the complement: SCN10A is on the minus strand). VCF-style: chr3-38760742-T-C. GRCh37 (hg19) VCF-style: chr3-38802233-T-C.
Other names: c.889A>G, p.Ile297Val (NM_001293306.2, NM_001293307.2); short protein forms I297V.
Identifiers: ClinVar variation 3225695 (VCV003225695.2), dbSNP rs751558593, ClinGen allele CA2321034.